The following is an entry in ClinVar:

NM_003105.6(SORL1):c.3366G>T (p.Gln1122His)

Gene: SORL1 (sortilin related receptor 1; plus strand). Cytogenetic location: 11q24.1.
Variant type: single nucleotide variant.
Coding change: c.3366G>T on transcript NM_003105.6 (MANE Select); coding-DNA position 3366, G replaced by T.
Protein change: p.Gln1122His; replaces glutamine 1122 with histidine.
Molecular consequence: missense variant.
Genome position (GRCh38, 1-based): chr11:121,574,269, G>T. VCF-style: chr11-121574269-G-T. GRCh37 (hg19) VCF-style: chr11-121444978-G-T.
Other names: short protein forms Q1122H.
Identifiers: ClinVar variation 4698469 (VCV004698469.1).

ClinVar aggregate classification (germline): Uncertain significance (1 of 4 stars; one submission).

gnomAD v4.1: 4 of 1,613,890 alleles (0.00025%); highest among the groups gnomAD compares: Non-Finnish European, 0.00034%; no homozygotes.

Submission:

Labcorp Genetics (formerly Invitae), Labcorp
Classification: Uncertain significance. Last evaluated: 2025-04-17. Review status: criteria provided, single submitter. Criteria: Invitae Variant Classification Sherloc (09022015). Collection method: clinical testing. Allele origin: germline.
Comment: This sequence change replaces glutamine, which is neutral and polar, with histidine, which is basic and polar, at codon 1122 of the SORL1 protein (p.Gln1122His). This variant is present in population databases (rs200656084, gnomAD 0.0009%). This variant has not been reported in the literature in individuals affected with SORL1-related conditions. An algorithm developed to predict the effect of missense changes on protein structure and function (PolyPhen-2) suggests that this variant is likely to be disruptive. In summary, the available evidence is currently insufficient to determine the role of this variant in disease. Therefore, it has been classified as a Variant of Uncertain Significance.